The following is an entry in ClinVar:

ClinVar aggregate classification (germline): Uncertain significance (1 of 4 stars; one submission).

Submission:

Labcorp Genetics (formerly Invitae), Labcorp
Classification: Uncertain significance. Last evaluated: 2022-10-23. Review status: criteria provided, single submitter. Criteria: Invitae Variant Classification Sherloc (09022015). Collection method: clinical testing. Allele origin: germline.
Comment: Advanced modeling of protein sequence and biophysical properties (such as structural, functional, and spatial information, amino acid conservation, physicochemical variation, residue mobility, and thermodynamic stability) performed at Invitae indicates that this missense variant is not expected to disrupt LZTR1 protein function. This variant has not been reported in the literature in individuals affected with LZTR1-related conditions. This variant is not present in population databases (gnomAD no frequency). This sequence change replaces serine, which is neutral and polar, with threonine, which is neutral and polar, at codon 373 of the LZTR1 protein (p.Ser373Thr). In summary, the available evidence is currently insufficient to determine the role of this variant in disease. Therefore, it has been classified as a Variant of Uncertain Significance.

NM_006767.4(LZTR1):c.1117T>A (p.Ser373Thr)

Gene: LZTR1 (leucine zipper like post translational regulator 1; plus strand). Cytogenetic location: 22q11.21.
Variant type: single nucleotide variant.
Coding change: c.1117T>A on transcript NM_006767.4 (MANE Select); coding-DNA position 1117, T replaced by A.
Protein change: p.Ser373Thr; replaces serine 373 with threonine.
Molecular consequence: missense variant.
Genome position (GRCh38, 1-based): chr22:20,992,337, T>A. VCF-style: chr22-20992337-T-A. GRCh37 (hg19) VCF-style: chr22-21346626-T-A.
Other names: short protein forms S373T.
Identifiers: ClinVar variation 1722073 (VCV001722073.5), dbSNP rs2518618136, ClinGen allele CA410782092.
Genomic context (GRCh38, chr22:20,992,337, plus strand): 5'-GAGGAGCGGGTTGGCTTCAAGAAGTCCCGAGATGTGTTTGGCCTGGACTTTGGCACCACC[T>A]CAGCCAAGCAGCCCACCCAGCCTGCCTCGGAGGTACAGGCTGGGATCCTCATTAAGACTC-3'
Protein context (NP_006758.2, residues 363-383): DVFGLDFGTT[Ser373Thr]AKQPTQPASE